The following is an entry in ClinVar:

NM_001134831.2(AHI1):c.2908G>T (p.Glu970Ter)

Gene: AHI1 (Abelson helper integration site 1; minus strand). Cytogenetic location: 6q23.3.
Variant type: single nucleotide variant.
Coding change: c.2908G>T on transcript NM_001134831.2 (MANE Select); coding-DNA position 2908, G replaced by T.
Protein change: p.Glu970Ter; replaces glutamic acid 970 with a stop codon.
Molecular consequence: nonsense.
Genome position (GRCh38, 1-based): chr6:135,411,401, C>A on the plus strand (G>T on the coding strand, the complement: AHI1 is on the minus strand). VCF-style: chr6-135411401-C-A. GRCh37 (hg19) VCF-style: chr6-135732539-C-A.
Other names: c.2908G>T, p.Glu970Ter (NM_001134830.2, NM_001134832.2, NM_001350503.2 and 2 more transcripts); short protein forms E970*.
Identifiers: ClinVar variation 5014995 (VCV005014995.1).

ClinVar aggregate classification (germline): Pathogenic (1 of 4 stars; one submission).

Conditions:
Joubert syndrome 3 (JBTS3). Also called: AHI1-related Ciliopathy. Identifiers: Orphanet 220493, MedGen C1837713, MONDO:0012078, OMIM 608629.

Submission:

Myriad Genetics, Inc.
Classification: Pathogenic for Joubert syndrome 3. Last evaluated: 2025-09-18. Review status: criteria provided, single submitter. Criteria: Myriad Autosomal Dominant, Autosomal Recessive and X-Linked Classification Criteria (2023). Collection method: clinical testing. Allele origin: unknown.
Comment: NM_001134831.1(AHI1):c.2908G>T(E970*) is expected to be pathogenic in the context of Joubert syndrome, AHI1-related. This variant is predicted to lead to an abnormal or absent protein product due to the creation of a premature termination codon in AHI1, a gene where loss-of-function variants are known to be pathogenic. Please note: this variant was assessed in the context of healthy population screening.